The following is an entry in ClinVar:

ClinVar aggregate classification (germline): Uncertain significance (1 of 4 stars; one submission).

Allele frequency attached by ClinVar (database versions not stated): gnomAD exomes below 0.00001; TOPMed 0.00001.
gnomAD v4.1: 1 of 1,607,790 alleles (0.000062%); highest among the groups gnomAD compares: Non-Finnish European, 0.000085%; no homozygotes.

Submission:

Labcorp Genetics (formerly Invitae), Labcorp
Classification: Uncertain significance. Last evaluated: 2022-07-05. Review status: criteria provided, single submitter. Criteria: Invitae Variant Classification Sherloc (09022015). Collection method: clinical testing. Allele origin: germline.
Comment: In summary, the available evidence is currently insufficient to determine the role of this variant in disease. Therefore, it has been classified as a Variant of Uncertain Significance. Algorithms developed to predict the effect of sequence changes on RNA splicing suggest that this variant may disrupt the consensus splice site. This variant has been observed in individual(s) with infantile liver failure (PMID: 34386911). This variant is not present in population databases (gnomAD no frequency). This sequence change falls in intron 14 of the NBAS gene. It does not directly change the encoded amino acid sequence of the NBAS protein.

Literature cited by the submitters: PubMed 34386911.

NM_015909.4(NBAS):c.1342-6A>G

Gene: NBAS (NBAS subunit of NRZ tethering complex; minus strand). Cytogenetic location: 2p24.3.
Variant type: single nucleotide variant.
Coding change: c.1342-6A>G on transcript NM_015909.4 (MANE Select); 6 bases into the intron before coding-DNA position 1342, A replaced by G.
Molecular consequence: intron variant.
Genome position (GRCh38, 1-based): chr2:15,474,330, T>C on the plus strand (A>G on the coding strand, the complement: NBAS is on the minus strand). VCF-style: chr2-15474330-T-C. GRCh37 (hg19) VCF-style: chr2-15614454-T-C.
Identifiers: ClinVar variation 1916217 (VCV001916217.5), dbSNP rs1379608282, ClinGen allele CA759158823.
Genomic context (GRCh38, chr2:15,474,330, plus strand): 5'-CTTCTCCAGCTCTAGTCTCCAAACGAGATCGTTTGGGGGCAAGTTTAATCTCACACTAAA[T>C]TGAAAAAGGAGATTTGAAGTTAATAGTAAGGAAATAAGAATAACTTTTTAGAATTAATGA-3'